The following is an entry in ClinVar:

ClinVar aggregate classification (germline): Uncertain significance. Review status: criteria provided, multiple submitters, no conflicts (2 of 4 stars). 2 submissions from 2 submitters: Uncertain significance (2). Last evaluated 2023-08-30.

Conditions:
Aortic valve disease 2 (AOVD2). Identifiers: MedGen C3542024, MONDO:0013902, OMIM 614823.
Inborn genetic diseases. Identifiers: MedGen C0950123, MeSH D030342.

Submissions (2):

Ambry Genetics
Classification: Uncertain significance for Inborn genetic diseases. Last evaluated: 2023-08-30. Review status: criteria provided, single submitter. Criteria: Ambry Variant Classification Scheme 2023. Collection method: clinical testing. Allele origin: germline.
Comment: The p.R84W variant (also known as c.250C>T), located in coding exon 1 of the SMAD6 gene, results from a C to T substitution at nucleotide position 250. The arginine at codon 84 is replaced by tryptophan, an amino acid with dissimilar properties. This amino acid position is conserved. In addition, this alteration is predicted to be tolerated by in silico analysis. Since supporting evidence is limited at this time, the clinical significance of this alteration remains unclear.

Labcorp Genetics (formerly Invitae), Labcorp
Classification: Uncertain significance for Aortic valve disease 2. Last evaluated: 2022-11-26. Review status: criteria provided, single submitter. Criteria: Invitae Variant Classification Sherloc (09022015). Collection method: clinical testing. Allele origin: germline.
Comment: This sequence change replaces arginine, which is basic and polar, with tryptophan, which is neutral and slightly polar, at codon 84 of the SMAD6 protein (p.Arg84Trp). This variant is not present in population databases (gnomAD no frequency). This variant has not been reported in the literature in individuals affected with SMAD6-related conditions. Algorithms developed to predict the effect of missense changes on protein structure and function are either unavailable or do not agree on the potential impact of this missense change (SIFT: "Deleterious"; PolyPhen-2: "Possibly Damaging"; Align-GVGD: "Class C0"). In summary, the available evidence is currently insufficient to determine the role of this variant in disease. Therefore, it has been classified as a Variant of Uncertain Significance.

NM_005585.5(SMAD6):c.250C>T (p.Arg84Trp)

Gene: SMAD6 (SMAD family member 6; plus strand). Cytogenetic location: 15q22.31.
Variant type: single nucleotide variant.
Coding change: c.250C>T on transcript NM_005585.5 (MANE Select); coding-DNA position 250, C replaced by T.
Protein change: p.Arg84Trp; replaces arginine 84 with tryptophan.
Molecular consequence: missense variant. On other transcripts: non-coding transcript variant (1).
Genome position (GRCh38, 1-based): chr15:66,703,508, C>T. VCF-style: chr15-66703508-C-T. GRCh37 (hg19) VCF-style: chr15-66995846-C-T.
Other names: short protein forms R84W.
Identifiers: ClinVar variation 2587751 (VCV002587751.4), dbSNP rs1893026985, ClinGen allele CA392949051.